The following is an entry in ClinVar:

ClinVar aggregate classification (germline): Pathogenic (1 of 4 stars; one submission).

Submission:

Labcorp Genetics (formerly Invitae), Labcorp
Classification: Pathogenic. Last evaluated: 2025-05-05. Review status: criteria provided, single submitter. Criteria: Invitae Variant Classification Sherloc (09022015). Collection method: clinical testing. Allele origin: germline.
Comment: This sequence change creates a premature translational stop signal (p.Asp509Alafs*9) in the CDH23 gene. It is expected to result in an absent or disrupted protein product. Loss-of-function variants in CDH23 are known to be pathogenic (PMID: 11138009, 21940737). This variant is not present in population databases (gnomAD no frequency). This variant has not been reported in the literature in individuals affected with CDH23-related conditions. For these reasons, this variant has been classified as Pathogenic.

Literature cited by the submitters: PubMed 11138009; PubMed 21940737.

NM_022124.6(CDH23):c.1526del (p.Asp509fs)

Gene: CDH23 (cadherin related 23; plus strand). Cytogenetic location: 10q22.1.
Variant type: Deletion.
Coding change: c.1526del on transcript NM_022124.6 (MANE Select); coding-DNA position 1526, one base deleted (A; older notation c.1526delA).
Protein change: p.Asp509fs; shifts the reading frame from aspartic acid 509.
Molecular consequence: frameshift variant.
Genome position (GRCh38, 1-based): chr10:71,677,467, A deleted. VCF-style (leftmost placement, unchanged base first): chr10-71677466-GA-G. GRCh37 (hg19) VCF-style: chr10-73437223-GA-G.
Other names: c.1526del, p.Asp509fs (NM_001171930.2, NM_001171931.2); short protein forms D509fs.
Identifiers: ClinVar variation 4776735 (VCV004776735.1).